The following is an entry in ClinVar:

ClinVar aggregate classification (germline): Uncertain significance (1 of 4 stars; one submission).

Submission:

Women's Health and Genetics/Laboratory Corporation of America, LabCorp
Classification: Uncertain significance. Last evaluated: 2026-04-27. Review status: criteria provided, single submitter. Criteria: LabCorp Variant Classification Summary - May 2015. Collection method: clinical testing. Allele origin: germline.
Comment: Variant summary: SEPSECS c.824_828delinsCTCGA (p.Ile275_Asp276delinsThrArg) results in an in-frame deletion-insertion that is predicted to cause changes in 2 amino acids. The variant was absent in 250904 control chromosomes (gnomAD). The available data on variant occurrences in the general population are insufficient to allow any conclusion about variant significance. To our knowledge, no occurrence of c.824_828delinsCTCGA in individuals affected with SEPSECS-related conditions and no experimental evidence demonstrating its impact on protein function have been reported. No submitters have cited clinical-significance assessments for this variant to ClinVar. Based on the evidence outlined above, the variant was classified as uncertain significance.

NM_016955.4(SEPSECS):c.824_828delinsCTCGA (p.Ile275_Asp276delinsThrArg)

Gene: SEPSECS (Sep (O-phosphoserine) tRNA:Sec (selenocysteine) tRNA synthase; minus strand). Cytogenetic location: 4p15.2.
Variant type: Indel.
Coding change: c.824_828delinsCTCGA on transcript NM_016955.4 (MANE Select); coding-DNA positions 824 to 828, TAGAT replaced by CTCGA.
Protein change: p.Ile275_Asp276delinsThrArg.
Molecular consequence: missense variant.
Genome position (GRCh38, 1-based): chr4:25,145,110-25,145,114, ATCTA replaced by TCGAG on the plus strand (TAGAT replaced by CTCGA on the coding strand, the reverse complement: SEPSECS is on the minus strand). VCF-style: chr4-25145110-ATCTA-TCGAG. GRCh37 (hg19) VCF-style: chr4-25146732-ATCTA-TCGAG.
Other names: c.1079_1083delinsCTCGA, p.Ile360_Asp361delinsThrArg (NM_001410714.1).
Identifiers: ClinVar variation 4849070 (VCV004849070.1).